The following is an entry in ClinVar:

ClinVar aggregate classification (germline): Uncertain significance. Review status: criteria provided, multiple submitters, no conflicts (2 of 4 stars). 2 submissions from 2 submitters: Uncertain significance (2). Last evaluated 2025-06-08.

Conditions:
Inborn genetic diseases. Identifiers: MedGen C0950123, MeSH D030342.
Fanconi anemia (FA). Also called: Fanconi's anemia. Identifiers: Orphanet 84, MedGen C0015625, MeSH D005199, MONDO:0019391.

Allele frequency attached by ClinVar (database versions not stated): gnomAD exomes below 0.00001 and 0.00001; TOPMed below 0.00001; ExAC 0.00001.
gnomAD v4.1: 6 of 1,613,620 alleles (0.00037%); highest among the groups gnomAD compares: East Asian, 0.0022%; no homozygotes.

Submissions (2):

Ambry Genetics
Classification: Uncertain significance for Inborn genetic diseases. Last evaluated: 2025-06-08. Review status: criteria provided, single submitter. Criteria: Ambry Variant Classification Scheme 2023. Collection method: clinical testing. Allele origin: germline.
Comment: The p.I1296T variant (also known as c.3887T>C), located in coding exon 14 of the FANCM gene, results from a T to C substitution at nucleotide position 3887. The isoleucine at codon 1296 is replaced by threonine, an amino acid with similar properties. This amino acid position is conserved. In addition, this alteration is predicted to be tolerated by in silico analysis. Based on the available evidence, the clinical significance of this variant remains unclear.

Labcorp Genetics (formerly Invitae), Labcorp
Classification: Uncertain significance for Fanconi anemia. Last evaluated: 2023-11-07. Review status: criteria provided, single submitter. Criteria: Invitae Variant Classification Sherloc (09022015). Collection method: clinical testing. Allele origin: germline.
Comment: This sequence change replaces isoleucine, which is neutral and non-polar, with threonine, which is neutral and polar, at codon 1296 of the FANCM protein (p.Ile1296Thr). This variant is present in population databases (rs760563906, gnomAD 0.006%). This variant has not been reported in the literature in individuals affected with FANCM-related conditions. ClinVar contains an entry for this variant (Variation ID: 666046). Algorithms developed to predict the effect of missense changes on protein structure and function output the following: SIFT: "Not Available"; PolyPhen-2: "Benign"; Align-GVGD: "Not Available". The threonine amino acid residue is found in multiple mammalian species, which suggests that this missense change does not adversely affect protein function. In summary, the available evidence is currently insufficient to determine the role of this variant in disease. Therefore, it has been classified as a Variant of Uncertain Significance.

NM_020937.4(FANCM):c.3887T>C (p.Ile1296Thr)

Gene: FANCM (FA complementation group M; plus strand). Cytogenetic location: 14q21.2.
Variant type: single nucleotide variant.
Coding change: c.3887T>C on transcript NM_020937.4 (MANE Select); coding-DNA position 3887, T replaced by C.
Protein change: p.Ile1296Thr; replaces isoleucine 1296 with threonine.
Molecular consequence: missense variant.
Genome position (GRCh38, 1-based): chr14:45,176,641, T>C. VCF-style: chr14-45176641-T-C. GRCh37 (hg19) VCF-style: chr14-45645844-T-C.
Other names: c.3887T>C (LRG_502t1); c.3809T>C, p.Ile1270Thr (NM_001308133.2); short protein forms I1296T, I1270T.
Identifiers: ClinVar variation 666046 (VCV000666046.9), dbSNP rs760563906, ClinGen allele CA7169590.